The following is an entry in ClinVar:

NM_004655.4(AXIN2):c.327C>A (p.Asp109Glu)

Gene: AXIN2 (axin 2; minus strand). Cytogenetic location: 17q24.1.
Variant type: single nucleotide variant.
Coding change: c.327C>A on transcript NM_004655.4 (MANE Select); coding-DNA position 327, C replaced by A.
Protein change: p.Asp109Glu; replaces aspartic acid 109 with glutamic acid.
Molecular consequence: missense variant.
Genome position (GRCh38, 1-based): chr17:65,558,294, G>T on the plus strand (C>A on the coding strand, the complement: AXIN2 is on the minus strand). VCF-style: chr17-65558294-G-T. GRCh37 (hg19) VCF-style: chr17-63554412-G-T.
Other names: c.327C>A, p.Asp109Glu (NM_001363813.1); c.327C>A (LRG_296t1); short protein forms D109E.
Identifiers: ClinVar variation 464619 (VCV000464619.9), dbSNP rs1176996295, ClinGen allele CA400681645.
Genomic context (GRCh38, chr17:65,558,294, plus strand): 5'-TCGTAAAGTTTTGGTATCCTTCAGGTTCATCTGCCTGAATCCATTGCAGGCAAACCAGAA[G>T]TCTAAGGTATCCACGCATTTCTCCCTCTCCAGGAAAGTTCGGAACAGGTAAGCACCGTCT-3'
Protein context (NP_004646.3, residues 99-119): LEREKCVDTL[Asp109Glu]FWFACNGFRQ

ClinVar aggregate classification (germline): Uncertain significance. Review status: criteria provided, multiple submitters, no conflicts (2 of 4 stars). 2 submissions from 2 submitters: Uncertain significance (2). Last evaluated 2024-07-30.

Conditions:
Oligodontia-cancer predisposition syndrome. Also called: TOOTH AGENESIS-COLORECTAL CANCER SYNDROME. Identifiers: Orphanet 300576, MedGen C1837750, MONDO:0012075, OMIM 608615. Disease mechanism: loss of function.
Hereditary cancer-predisposing syndrome. Also called: Neoplastic Syndromes, Hereditary; Tumor predisposition; Hereditary Cancer Syndrome; Hereditary neoplastic syndrome. Identifiers: Orphanet 140162, MedGen C0027672, MeSH D009386, MONDO:0015356.

Allele frequency attached by ClinVar (database versions not stated): gnomAD 0.00001; TOPMed 0.00001.
gnomAD v4.1: 2 of 1,614,106 alleles (0.00012%); highest among the groups gnomAD compares: African/African-American, 0.0027%; no homozygotes.

Submissions (2):

Labcorp Genetics (formerly Invitae), Labcorp
Classification: Uncertain significance for Oligodontia-cancer predisposition syndrome. Last evaluated: 2024-07-30. Review status: criteria provided, single submitter. Criteria: Invitae Variant Classification Sherloc (09022015). Collection method: clinical testing. Allele origin: germline.
Comment: This sequence change replaces aspartic acid, which is acidic and polar, with glutamic acid, which is acidic and polar, at codon 109 of the AXIN2 protein (p.Asp109Glu). This variant is present in population databases (no rsID available, gnomAD 0.01%). This variant has not been reported in the literature in individuals affected with AXIN2-related conditions. ClinVar contains an entry for this variant (Variation ID: 464619). Advanced modeling of protein sequence and biophysical properties (such as structural, functional, and spatial information, amino acid conservation, physicochemical variation, residue mobility, and thermodynamic stability) has been performed at Invitae for this missense variant, however the output from this modeling did not meet the statistical confidence thresholds required to predict the impact of this variant on AXIN2 protein function. In summary, the available evidence is currently insufficient to determine the role of this variant in disease. Therefore, it has been classified as a Variant of Uncertain Significance.

Ambry Genetics
Classification: Uncertain significance for Hereditary cancer-predisposing syndrome. Last evaluated: 2021-09-20. Review status: criteria provided, single submitter. Criteria: Ambry Variant Classification Scheme 2023. Collection method: clinical testing. Allele origin: germline.
Comment: The p.D109E variant (also known as c.327C>A), located in coding exon 1 of the AXIN2 gene, results from a C to A substitution at nucleotide position 327. The aspartic acid at codon 109 is replaced by glutamic acid, an amino acid with highly similar properties. This amino acid position is conserved. In addition, this alteration is predicted to be tolerated by in silico analysis. Since supporting evidence is limited at this time, the clinical significance of this alteration remains unclear.